The following is an entry in ClinVar:

ClinVar aggregate classification (germline): Benign/Likely benign. Review status: criteria provided, multiple submitters, no conflicts (2 of 4 stars). 3 submissions from 3 submitters: Benign (1); Likely benign (1). 1 of the submissions does not count toward it. Last evaluated 2024-10-30.

Conditions:
Prostate cancer, hereditary, 9 (HPC9). Identifiers: Orphanet 1331, MedGen C1970250, MONDO:0012597, OMIM 610997.
Hereditary cancer-predisposing syndrome. Also called: Neoplastic Syndromes, Hereditary; Tumor predisposition; Hereditary neoplastic syndrome; Hereditary Cancer Syndrome. Identifiers: Orphanet 140162, MedGen C0027672, MeSH D009386, MONDO:0015356.
Prostate cancer, hereditary, 1 (HPC1). Identifiers: Orphanet 1331, MedGen C4722327, MONDO:0011098, OMIM 601518.

Submissions (3):

Myriad Genetics, Inc.
Classification: Benign for Prostate cancer, hereditary, 9. Last evaluated: 2024-10-30. Review status: criteria provided, single submitter. Criteria: Myriad Autosomal Dominant, Autosomal Recessive and X-Linked Classification Criteria (2023). Collection method: clinical testing. Allele origin: unknown.
Comment: This variant is considered benign. This variant is a silent/synonymous amino acid change and it is not expected to impact splicing.

Ambry Genetics
Classification: Likely benign for Hereditary cancer-predisposing syndrome. Last evaluated: 2019-10-14. Review status: criteria provided, single submitter. Criteria: Ambry Variant Classification Scheme 2023. Collection method: clinical testing. Allele origin: germline.

Laboratory of Virology, Microbiology,  Quality and Medical Biotechnologies, Faculty of Sciences and Techniques - Mohammedia, Hassan II University of Casablanca
Classification: Uncertain significance for Prostate cancer, hereditary, 1. Review status: no assertion criteria provided. Collection method: clinical testing. Allele origin: somatic. Affected: yes. Not counted in ClinVar's aggregate classification.

NM_006361.6(HOXB13):c.528T>G (p.Gly176=)

Gene: HOXB13 (homeobox B13; minus strand). Cytogenetic location: 17q21.32.
Variant type: single nucleotide variant.
Coding change: c.528T>G on transcript NM_006361.6 (MANE Select); coding-DNA position 528, T replaced by G.
Protein change: p.Gly176=; no amino-acid change (glycine 176 retained).
Molecular consequence: synonymous variant.
Genome position (GRCh38, 1-based): chr17:48,728,066, A>C on the plus strand (T>G on the coding strand, the complement: HOXB13 is on the minus strand). VCF-style: chr17-48728066-A-C. GRCh37 (hg19) VCF-style: chr17-46805428-A-C.
Identifiers: ClinVar variation 690830 (VCV000690830.5), dbSNP rs1597933899, ClinGen allele CA500660841.
Genomic context (GRCh38, chr17:48,728,066, plus strand): 5'-CTTCCAAAAGGGACCTGGTGGGTTCTGTTCTCCCTGGCAACACATCTGGCTGTTCCAGCC[A>C]CCAGCGAGAGCCCAAGACTGGTAACTGTCCACAGGCAACAGGGAGTCATGTCGCGGTTCT-3'
Protein context (NP_006352.2, residues 166-186): VDSYQSWALA[Gly176=]GWNSQMCCQG